The following is an entry in ClinVar:

NM_021096.4(CACNA1I):c.3163C>T (p.Arg1055Trp)

Gene: CACNA1I (calcium voltage-gated channel subunit alpha1 I; plus strand). Cytogenetic location: 22q13.1.
Variant type: single nucleotide variant.
Coding change: c.3163C>T on transcript NM_021096.4 (MANE Select); coding-DNA position 3163, C replaced by T.
Protein change: p.Arg1055Trp; replaces arginine 1055 with tryptophan.
Molecular consequence: missense variant.
Genome position (GRCh38, 1-based): chr22:39,662,226, C>T. VCF-style: chr22-39662226-C-T. GRCh37 (hg19) VCF-style: chr22-40058231-C-T.
Other names: c.3058C>T, p.Arg1020Trp (NM_001003406.2); short protein forms R1020W, R1055W.
Identifiers: ClinVar variation 2505670 (VCV002505670.1), dbSNP rs1935044129, ClinGen allele CA411656762.

ClinVar aggregate classification (germline): Uncertain significance (1 of 4 stars; one submission).

Allele frequency attached by ClinVar (database versions not stated): gnomAD 0.00001.

Submission:

GeneDx
Classification: Uncertain significance. Last evaluated: 2022-12-16. Review status: criteria provided, single submitter. Criteria: GeneDx Variant Classification Process June 2021. Collection method: clinical testing. Allele origin: germline. Affected: yes.
Comment: Not observed at significant frequency in large population cohorts (gnomAD); In silico analysis supports that this missense variant has a deleterious effect on protein structure/function; Has not been previously published as pathogenic or benign to our knowledge